The following is an entry in ClinVar:

ClinVar aggregate classification (germline): Uncertain significance (1 of 4 stars; one submission).

Conditions:
FLT4-related disorder. Also called: FLT4-related condition.

gnomAD v4.1: 6 of 1,611,748 alleles (0.00037%); highest among the groups gnomAD compares: Admixed American, 0.0033%; no homozygotes.

Submission:

PreventionGenetics, part of Exact Sciences
Classification: Uncertain significance for FLT4-related condition. Last evaluated: 2025-01-31. Review status: criteria provided, single submitter. Criteria: ACMG Guidelines, 2015. Collection method: clinical testing. Allele origin: germline.
Comment: The FLT4 c.1426C>G variant is predicted to result in the amino acid substitution p.Arg476Gly. To our knowledge, this variant has not been reported in the literature. This variant is reported in 0.0029% of alleles in individuals of Latino descent in gnomAD. At this time, the clinical significance of this variant is uncertain due to the absence of conclusive functional and genetic evidence.

NM_182925.5(FLT4):c.1426C>G (p.Arg476Gly)

Gene: FLT4 (fms related receptor tyrosine kinase 4; minus strand). Cytogenetic location: 5q35.3.
Variant type: single nucleotide variant.
Coding change: c.1426C>G on transcript NM_182925.5 (MANE Select); coding-DNA position 1426, C replaced by G.
Protein change: p.Arg476Gly; replaces arginine 476 with glycine.
Molecular consequence: missense variant.
Genome position (GRCh38, 1-based): chr5:180,624,057, G>C on the plus strand (C>G on the coding strand, the complement: FLT4 is on the minus strand). VCF-style: chr5-180624057-G-C. GRCh37 (hg19) VCF-style: chr5-180051057-G-C.
Other names: c.1426C>G, p.Arg476Gly (NM_001354989.2, NM_002020.5); short protein forms R476G.
Identifiers: ClinVar variation 5000217 (VCV005000217.1).
Genomic context (GRCh38, chr5:180,624,057, plus strand): 5'-CCTGCGTGGTCACCGCCCTCCAGTCACGGCACTGTGGCATGAGGTCTTGCTGCTGCCGCC[G>C]CCGGCTGCCAGGACCAGAAGAGGCAAGGGCAGGTCAGGGATACAGGCAGGAAGGGCCCAC-3'
Protein context (NP_891555.2, residues 466-486): CKMFAQRSLR[Arg476Gly]RQQQDLMPQC